The following is an entry in ClinVar:

ClinVar aggregate classification (germline): Likely pathogenic (1 of 4 stars; one submission).

Conditions:
Wolfram syndrome 1 (WFS1). Identifiers: Orphanet 3463, MedGen C4551693, MONDO:0009101, OMIM 222300.

Submission:

3billion
Classification: Likely pathogenic for Wolfram syndrome 1. Last evaluated: 2022-09-01. Review status: criteria provided, single submitter. Criteria: ACMG Guidelines, 2015. Collection method: clinical testing. Allele origin: germline. Affected: yes. Observed: 1 homozygote.
Comment: The variant is not observed in the gnomAD v2.1.1 dataset. Frameshift variant is predicted to result in a loss or disruption of normal protein function through protein truncation. The predicted truncated protein may be shortened by more than 10%. Multiple pathogenic variants are reported downstream of the variant. This variant is classified as Likely pathogenic according to the recommendation of ACMG/AMP guideline.

NM_006005.3(WFS1):c.1491_1492insT (p.Val498fs)

Gene: WFS1 (wolframin ER transmembrane glycoprotein; plus strand). Cytogenetic location: 4p16.1.
Variant type: Insertion.
Coding change: c.1491_1492insT on transcript NM_006005.3 (MANE Select); coding-DNA positions 1491 to 1492, T inserted.
Protein change: p.Val498fs; shifts the reading frame from valine 498.
Molecular consequence: frameshift variant.
Genome position: GRCh38 VCF-style: chr4-6301286-C-CT. GRCh37 (hg19) VCF-style: chr4-6303013-C-CT.
Other names: c.1491_1492insT, p.Val498fs (NM_001145853.1); short protein forms V498fs.
Identifiers: ClinVar variation 1705714 (VCV001705714.1), dbSNP rs2474194001, ClinGen allele CA2580071771.